The following is an entry in ClinVar:

ClinVar aggregate classification (germline): Uncertain significance. Review status: criteria provided, multiple submitters, no conflicts (2 of 4 stars). 6 submissions from 6 submitters: Uncertain significance (6). Last evaluated 2024-11-10.

Conditions:
Cardiovascular phenotype. Identifiers: MedGen CN230736.
Cardiomyopathy (CMYO). Also called: Cardiomyopathies. Identifiers: Orphanet 167848, MedGen C0878544, MONDO:0004994, HP:0001638. Inheritance: Various modes of inheritance.
Arrhythmogenic right ventricular cardiomyopathy (ARVD). Also called: Cardiomyopathy, ARVC; Arrhythmogenic right ventricular dysplasia; Arrhythmogenic cardiomyopathy; Arrhythmogenic Right Ventricular Cardiomyopathy (ARVC). Identifiers: Orphanet 247, MedGen C0349788, MeSH D019571, MONDO:0016587. Disease mechanism: loss of function. Inheritance: Various modes of inheritance.
Arrhythmogenic right ventricular dysplasia 10. Also called: Arrhythmogenic right ventricular dysplasia/cardiomyopathy, type 10; Arrhythmogenic Right Ventricular Dysplasia/Cardiomyopathy10; ARRHYTHMOGENIC RIGHT VENTRICULAR DYSPLASIA, FAMILIAL, 10. Identifiers: MedGen C1857777, MONDO:0012434, OMIM 610193.

Allele frequency attached by ClinVar (database versions not stated): gnomAD exomes below 0.00001.

Submissions (6):

Ambry Genetics
Classification: Uncertain significance for Cardiovascular phenotype. Last evaluated: 2024-11-10. Review status: criteria provided, single submitter. Criteria: Ambry Variant Classification Scheme 2023. Collection method: clinical testing. Allele origin: germline.
Comment: The p.G1078A variant (also known as c.3233G>C), located in coding exon 15 of the DSG2 gene, results from a G to C substitution at nucleotide position 3233. The glycine at codon 1078 is replaced by alanine, an amino acid with similar properties. This amino acid position is conserved. In addition, this alteration is predicted to be tolerated by in silico analysis. Based on the available evidence, the clinical significance of this variant remains unclear.

All of Us Research Program, National Institutes of Health
Classification: Uncertain significance for Arrhythmogenic right ventricular cardiomyopathy. Last evaluated: 2024-02-05. Review status: criteria provided, single submitter. Criteria: ACMG Guidelines, 2015. Collection method: clinical testing. Allele origin: germline. Inheritance: Autosomal dominant inheritance. Observed: 5 variant alleles, 5 heterozygotes.
Comment: This missense variant replaces glycine with alanine at codon 1078 of the DSG2 protein. Computational prediction suggests that this variant may not impact protein structure and function (internally defined REVEL score threshold <= 0.5, PMID: 27666373). To our knowledge, functional studies have not been reported for this variant. This variant has not been reported in individuals affected with DSG2-related disorders in the literature. This variant has been identified in 1/249384 chromosomes in the general population by the Genome Aggregation Database (gnomAD). The available evidence is insufficient to determine the role of this variant in disease conclusively. Therefore, this variant is classified as a Variant of Uncertain Significance.

This study involves interpretation of variants in research participants for the purpose of population health screening. Participant phenotype was not available at the time of variant classification. Additional details can be found in publication PMID: 35346344, PMCID: PMC8962531

Color Diagnostics, LLC DBA Color Health
Classification: Uncertain significance for Cardiomyopathy. Last evaluated: 2023-11-22. Review status: criteria provided, single submitter. Criteria: ACMG Guidelines, 2015. Collection method: clinical testing. Allele origin: germline.
Comment: This missense variant replaces glycine with alanine at codon 1078 of the DSG2 protein. Computational prediction suggests that this variant may not impact protein structure and function (internally defined REVEL score threshold <= 0.5, PMID: 27666373). To our knowledge, functional studies have not been reported for this variant. This variant has not been reported in individuals affected with DSG2-related disorders in the literature. This variant has been identified in 1/249384 chromosomes in the general population by the Genome Aggregation Database (gnomAD). The available evidence is insufficient to determine the role of this variant in disease conclusively. Therefore, this variant is classified as a Variant of Uncertain Significance.

Labcorp Genetics (formerly Invitae), Labcorp
Classification: Uncertain significance for Arrhythmogenic right ventricular dysplasia 10. Last evaluated: 2022-09-28. Review status: criteria provided, single submitter. Criteria: Invitae Variant Classification Sherloc (09022015). Collection method: clinical testing. Allele origin: germline.
Comment: This sequence change replaces glycine, which is neutral and non-polar, with alanine, which is neutral and non-polar, at codon 1078 of the DSG2 protein (p.Gly1078Ala). This variant is present in population databases (no rsID available, gnomAD 0.0009%). This variant has not been reported in the literature in individuals affected with DSG2-related conditions. ClinVar contains an entry for this variant (Variation ID: 422516). Advanced modeling of protein sequence and biophysical properties (such as structural, functional, and spatial information, amino acid conservation, physicochemical variation, residue mobility, and thermodynamic stability) performed at Invitae indicates that this missense variant is not expected to disrupt DSG2 protein function. In summary, the available evidence is currently insufficient to determine the role of this variant in disease. Therefore, it has been classified as a Variant of Uncertain Significance.

ARUP Laboratories, Molecular Genetics and Genomics, ARUP Laboratories
Classification: Uncertain significance. Last evaluated: 2018-05-04. Review status: criteria provided, single submitter. Criteria: ARUP Molecular Germline Variant Investigation Process. Collection method: clinical testing. Allele origin: germline.
Comment: The DSG2 c.3233G>C; p.Gly1078Ala variant (ClinVar variant ID 422516), to our knowledge, is not reported in the medical literature, gene specific variation databases, nor has it been previously identified by our laboratory. This variant is listed in the genome Aggregation Database (gnomAD) with an overall population frequency of 0.0004% (identified on 1 out of 246,030 chromosomes). The glycine at position 1078 is weakly conserved, considering 12 species, and computational analyses of the effects of the p.Gly1078Ala variant on protein structure and function do not predict a deleterious effect (SIFT: tolerated, PolyPhen-2: benign). Based on the available information, the clinical significance of the p.Gly1078Ala variant cannot be determined with certainty.

GeneDx
Classification: Uncertain significance. Last evaluated: 2016-10-24. Review status: criteria provided, single submitter. Criteria: GeneDx Variant Classification (06012015). Collection method: clinical testing. Allele origin: germline. Affected: yes.
Comment: A variant of uncertain significance has been identified in the DSG2 gene. The G1078A variant has not been published as a pathogenic variant, nor has it been reported as a benign variant to our knowledge. The G1078A variant was not observed in approximately 6000 individuals of European and African American ancestry in the NHLBI Exome Sequencing Project, indicating it is not a common benign variant in these populations. However, the G1078A variant is a conservative amino acid substitution, which is not likely to impact secondary protein structure as these residues share similar properties, and this substitution occurs at a position that is not conserved across species. Lastly, in silico analysis predicts this variant likely does not alter the protein structure/function.

NM_001943.5(DSG2):c.3233G>C (p.Gly1078Ala)

Genes: DSG2 (desmoglein 2; plus strand), DSG2-AS1 (DSG2 antisense RNA 1; minus strand). Cytogenetic location: 18q12.1.
Variant type: single nucleotide variant.
Coding change: c.3233G>C on transcript NM_001943.5 (MANE Select); coding-DNA position 3233, G replaced by C.
Protein change: p.Gly1078Ala; replaces glycine 1078 with alanine.
Molecular consequence: missense variant.
Genome position (GRCh38, 1-based): chr18:31,546,619, G>C. VCF-style: chr18-31546619-G-C. GRCh37 (hg19) VCF-style: chr18-29126582-G-C.
Other names: c.3233G>C (LRG_397t1); short protein forms G1078A.
Identifiers: ClinVar variation 422516 (VCV000422516.18), dbSNP rs1064795829, ClinGen allele CA16620683.